The following is an entry in ClinVar:

ClinVar aggregate classification (germline): Likely benign (1 of 4 stars; one submission).

Allele frequency attached by ClinVar (database versions not stated): gnomAD exomes below 0.00001.

Submission:

CeGaT Center for Human Genetics Tuebingen
Classification: Likely benign. Last evaluated: 2023-02-01. Review status: criteria provided, single submitter. Criteria: CeGaT Center For Human Genetics Tuebingen Variant Classification Criteria Version 2. Collection method: clinical testing. Allele origin: germline. Affected: yes. Observed: 1 variant allele.
Comment: CELSR1: PM2:Supporting, BP4, BP7

NM_001378328.1(CELSR1):c.6159T>C (p.Asn2053=)

Gene: CELSR1 (cadherin EGF LAG seven-pass G-type receptor 1; minus strand). Cytogenetic location: 22q13.31.
Variant type: single nucleotide variant.
Coding change: c.6159T>C on transcript NM_001378328.1 (MANE Select); coding-DNA position 6159, T replaced by C.
Protein change: p.Asn2053=; no amino-acid change (asparagine 2053 retained).
Molecular consequence: synonymous variant.
Genome position (GRCh38, 1-based): chr22:46,391,277, A>G on the plus strand (T>C on the coding strand, the complement: CELSR1 is on the minus strand). VCF-style: chr22-46391277-A-G. GRCh37 (hg19) VCF-style: chr22-46787174-A-G.
Other names: c.6159T>C, p.Asn2053= (NM_014246.4).
Identifiers: ClinVar variation 2653325 (VCV002653325.24), dbSNP rs2518333359, ClinGen allele CA514934934.